The following is an entry in ClinVar:

NM_000632.4(ITGAM):c.2646G>A (p.Thr882=)

Gene: ITGAM (integrin subunit alpha M; plus strand). Cytogenetic location: 16p11.2.
Variant type: single nucleotide variant.
Coding change: c.2646G>A on transcript NM_000632.4 (MANE Select); coding-DNA position 2646, G replaced by A.
Protein change: p.Thr882=; no amino-acid change (threonine 882 retained).
Molecular consequence: synonymous variant.
Genome position (GRCh38, 1-based): chr16:31,326,873, G>A. VCF-style: chr16-31326873-G-A. GRCh37 (hg19) VCF-style: chr16-31338194-G-A.
Other names: c.2649G>A, p.Thr883= (NM_001145808.2); c.2646G>A (NM_000632.3).
Identifiers: ClinVar variation 1546654 (VCV001546654.10), dbSNP rs377439961, ClinGen allele CA8025902.

ClinVar aggregate classification (germline): Benign. Review status: criteria provided, single submitter (1 of 4 stars). 2 submissions from 2 submitters: Benign (1). 1 of the submissions does not count toward it. Last evaluated 2026-02-01.

Conditions:
ITGAM-related disorder. Also called: ITGAM-related condition.

Allele frequency attached by ClinVar (database versions not stated): gnomAD exomes 0.00009 and 0.00022; ExAC 0.00027; 1000 Genomes Project 30x 0.00062; 1000 Genomes Project 0.00080; gnomAD 0.00102 and 0.00114; ESP Exome Variant Server 0.00124.
gnomAD v4.1: 283 of 1,611,974 alleles (0.018%); highest among the groups gnomAD compares: African/African-American, 0.32%; no homozygotes.

Submissions (2):

Labcorp Genetics (formerly Invitae), Labcorp
Classification: Benign. Last evaluated: 2026-02-01. Review status: criteria provided, single submitter. Criteria: Invitae Variant Classification Sherloc (09022015). Collection method: clinical testing. Allele origin: germline.

PreventionGenetics, part of Exact Sciences
Classification: Likely benign for ITGAM-related condition. Last evaluated: 2019-02-19. Review status: no assertion criteria provided. Collection method: clinical testing. Allele origin: germline. Not counted in ClinVar's aggregate classification.
Comment: This variant is classified as likely benign based on ACMG/AMP sequence variant interpretation guidelines (Richards et al. 2015 PMID: 25741868, with internal and published modifications).